The following is an entry in ClinVar:

ClinVar aggregate classification (germline): Likely pathogenic (1 of 4 stars; one submission).

Conditions:
Hereditary pheochromocytoma and paraganglioma. Also called: Hereditary Paraganglioma-Pheochromocytoma Syndromes; Hereditary paragangliomas and pheochromocytomas; Hereditary pheochromocytoma-paraganglioma. Identifiers: Orphanet 29072, MedGen C4274332, MONDO:0017366.

Submission:

Hereditary Endocrine Cancer Group, Spanish National Cancer Research Centre (CNIO)
Classification: Likely pathogenic for Hereditary pheochromocytoma and paraganglioma. Last evaluated: 2025-10-28. Review status: criteria provided, single submitter. Criteria: Hereditary Endocrine Cancer Group (CNIO) Assertion Criteria. Collection method: clinical testing. Allele origin: germline. Affected: yes. Observed: 1 variant allele.
Comment: The c.989G>T variant results in the substitution of triptophan with leucine at codon 330. Triptophan 330 is a highly conserved residue located in the highly conserved PWWP domain of DNMT3A. Other variants affecting this residue are the genetic cause of Heyn-Sproul-Jackson syndrome. This variant is not present in gnomAD population databases. In silico prediction tools unanimously indicate a deleterious effect on the gene. Based on the supporting evidence, this alteration is interpreted as Likely pathogenic.

NM_022552.5(DNMT3A):c.989G>T (p.Trp330Leu)

Gene: DNMT3A (DNA methyltransferase 3 alpha; minus strand). Cytogenetic location: 2p23.3.
Variant type: single nucleotide variant.
Coding change: c.989G>T on transcript NM_022552.5 (MANE Select); coding-DNA position 989, G replaced by T.
Protein change: p.Trp330Leu; replaces tryptophan 330 with leucine.
Molecular consequence: missense variant. On other transcripts: non-coding transcript variant (1).
Genome position (GRCh38, 1-based): chr2:25,247,616, C>A on the plus strand (G>T on the coding strand, the complement: DNMT3A is on the minus strand). VCF-style: chr2-25247616-C-A. GRCh37 (hg19) VCF-style: chr2-25470485-C-A.
Other names: c.533G>T, p.Trp178Leu (NM_001320893.1); c.320G>T, p.Trp107Leu (NM_001375819.1); c.422G>T, p.Trp141Leu (NM_153759.3); c.989G>T, p.Trp330Leu (NM_175629.2); short protein forms W141L, W178L, W330L, W107L.
Identifiers: ClinVar variation 4294545 (VCV004294545.1).